The following is an entry in ClinVar:

NM_014359.4(OPTC):c.317C>T (p.Thr106Met)

Gene: OPTC (opticin; plus strand). Cytogenetic location: 1q32.1.
Variant type: single nucleotide variant.
Coding change: c.317C>T on transcript NM_014359.4 (MANE Select); coding-DNA position 317, C replaced by T.
Protein change: p.Thr106Met; replaces threonine 106 with methionine.
Molecular consequence: missense variant.
Genome position (GRCh38, 1-based): chr1:203,497,062, C>T. VCF-style: chr1-203497062-C-T. GRCh37 (hg19) VCF-style: chr1-203466190-C-T.
Other names: short protein forms T106M.
Identifiers: ClinVar variation 770499 (VCV000770499.6), dbSNP rs61731863, ClinGen allele CA1340982.

ClinVar aggregate classification (germline): Benign. Review status: criteria provided, multiple submitters, no conflicts (2 of 4 stars). 3 submissions from 3 submitters: Benign (2). 1 of the submissions does not count toward it. Last evaluated 2017-10-28.

Conditions:
OPTC-related disorder. Also called: OPTC-related condition.

Allele frequency attached by ClinVar (database versions not stated): ESP Exome Variant Server 0.00062; gnomAD exomes 0.00135 and 0.00600; gnomAD 0.00193 and 0.00206; TOPMed 0.00360; 1000 Genomes Project 0.00419; 1000 Genomes Project 30x 0.00437; ExAC 0.00453.
gnomAD v4.1: 2,280 of 1,614,118 alleles (0.14%); highest among the groups gnomAD compares: Admixed American, 3.3%; 51 homozygotes.

Submissions (3):

Labcorp Genetics (formerly Invitae), Labcorp
Classification: Benign. Last evaluated: 2017-10-28. Review status: criteria provided, single submitter. Criteria: Invitae Variant Classification Sherloc (09022015). Collection method: clinical testing. Allele origin: germline.

Breakthrough Genomics
Classification: Benign. Review status: criteria provided, single submitter. Criteria: ACMG Guidelines, 2015. Collection method: not provided. Allele origin: germline. Inheritance: Unknown mechanism. Affected: yes.

PreventionGenetics, part of Exact Sciences
Classification: Benign for OPTC-related condition. Last evaluated: 2019-05-22. Review status: no assertion criteria provided. Collection method: clinical testing. Allele origin: germline. Not counted in ClinVar's aggregate classification.
Comment: This variant is classified as benign based on ACMG/AMP sequence variant interpretation guidelines (Richards et al. 2015 PMID: 25741868, with internal and published modifications).